The following is an entry in ClinVar:

ClinVar aggregate classification (germline): Uncertain significance (1 of 4 stars; one submission).

Conditions:
RYR1-related disorder. Also called: RYR1-related condition; RYR1-related disorders. Identifiers: MedGen CN239331.

gnomAD v4.1: 21 of 1,599,160 alleles (0.0013%); highest among the groups gnomAD compares: South Asian, 0.021%; no homozygotes.

Submission:

Labcorp Genetics (formerly Invitae), Labcorp
Classification: Uncertain significance for RYR1-related disorder. Last evaluated: 2025-01-13. Review status: criteria provided, single submitter. Criteria: Invitae Variant Classification Sherloc (09022015). Collection method: clinical testing. Allele origin: germline.
Comment: This sequence change replaces lysine, which is basic and polar, with asparagine, which is neutral and polar, at codon 2074 of the RYR1 protein (p.Lys2074Asn). This variant is present in population databases (rs765926709, gnomAD 0.04%). This variant has not been reported in the literature in individuals affected with RYR1-related conditions. Invitae Evidence Modeling of protein sequence and biophysical properties (such as structural, functional, and spatial information, amino acid conservation, physicochemical variation, residue mobility, and thermodynamic stability) indicates that this missense variant is not expected to disrupt RYR1 protein function with a negative predictive value of 80%. In summary, the available evidence is currently insufficient to determine the role of this variant in disease. Therefore, it has been classified as a Variant of Uncertain Significance.

NM_000540.3(RYR1):c.6222G>T (p.Lys2074Asn)

Gene: RYR1 (ryanodine receptor 1; plus strand). Cytogenetic location: 19q13.2.
Variant type: single nucleotide variant.
Coding change: c.6222G>T on transcript NM_000540.3 (MANE Select); coding-DNA position 6222, G replaced by T.
Protein change: p.Lys2074Asn; replaces lysine 2074 with asparagine.
Molecular consequence: missense variant.
Genome position (GRCh38, 1-based): chr19:38,492,584, G>T. VCF-style: chr19-38492584-G-T. GRCh37 (hg19) VCF-style: chr19-38983224-G-T.
Other names: c.6222G>T, p.Lys2074Asn (NM_001042723.2); short protein forms K2074N.
Identifiers: ClinVar variation 3730383 (VCV003730383.1).
Genomic context (GRCh38, chr19:38,492,584, plus strand): 5'-GGAAGAGACCACCCTGGGCAGCCGCCTCATGAGCCTGTTGGAGAAAGTGCGGCTGGTGAA[G>T]AAGAAGGAAGAGAAACCTGAGGAGGAGCGGTCAGCAGAGGAGAGCAAACCCCGTGAGGAC-3'
Protein context (NP_000531.2, residues 2064-2084): MSLLEKVRLV[Lys2074Asn]KKEEKPEEER